The following is an entry in ClinVar:

NM_000353.3(TAT):c.825del (p.Cys275fs)

Genes: TAT (tyrosine aminotransferase; minus strand), TAT-AS1 (TAT antisense RNA 1; plus strand). Cytogenetic location: 16q22.2.
Variant type: Deletion.
Coding change: c.825del on transcript NM_000353.3 (MANE Select); coding-DNA position 825, one base deleted (T; older notation c.825delT).
Protein change: p.Cys275fs; shifts the reading frame from cysteine 275.
Molecular consequence: frameshift variant.
Genome position (GRCh38, 1-based): chr16:71,570,766, A deleted on the plus strand (T on the coding strand, the reverse complement: TAT is on the minus strand). VCF-style (leftmost placement, unchanged base first): chr16-71570765-CA-C. GRCh37 (hg19) VCF-style: chr16-71604668-CA-C.
Other names: short protein forms C275fs.
Identifiers: ClinVar variation 1454381 (VCV001454381.8), dbSNP rs2145231253, ClinGen allele CA2545640671.

ClinVar aggregate classification (germline): Pathogenic (1 of 4 stars; one submission).

Conditions:
Tyrosinemia type II (TYRSN2). Also called: KERATOSIS PALMOPLANTARIS WITH CORNEAL DYSTROPHY; OREGON TYPE TYROSINEMIA; TAT DEFICIENCY; TYROSINE AMINOTRANSFERASE DEFICIENCY; TYROSINE TRANSAMINASE DEFICIENCY. Identifiers: Orphanet 28378, MedGen C0268487, MONDO:0010160, OMIM 276600.

Allele frequency attached by ClinVar (database versions not stated): gnomAD exomes below 0.00001.

Submission:

Labcorp Genetics (formerly Invitae), Labcorp
Classification: Pathogenic for Tyrosinemia type II. Last evaluated: 2023-02-17. Review status: criteria provided, single submitter. Criteria: Invitae Variant Classification Sherloc (09022015). Collection method: clinical testing. Allele origin: germline.
Comment: ClinVar contains an entry for this variant (Variation ID: 1454381). This sequence change creates a premature translational stop signal (p.Cys275Trpfs*36) in the TAT gene. It is expected to result in an absent or disrupted protein product. Loss-of-function variants in TAT are known to be pathogenic (PMID: 9544843). This variant is not present in population databases (gnomAD no frequency). This variant has not been reported in the literature in individuals affected with TAT-related conditions. For these reasons, this variant has been classified as Pathogenic.

Literature cited by the submitters: PubMed 9544843.